The following is an entry in ClinVar:

NM_000492.4(CFTR):c.435TCA[1] (p.His147del)

Gene: CFTR (CF transmembrane conductance regulator; plus strand). Cytogenetic location: 7q31.2.
Variant type: Microsatellite.
Coding change: c.435TCA[1] on transcript NM_000492.4 (MANE Select); one copy of the 3-base unit TCA starting at c.435; the reference has two copies in a row; one copy, 3 bases deleted; also written c.438_440del.
Protein change: p.His147del; deletes histidine 147.
Molecular consequence: inframe deletion. On other transcripts: inframe indel (2).
Genome position (GRCh38, 1-based): chr7:117,531,063-117,531,065, TCA deleted; deleting any 3 consecutive bases within chr7:117,531,060-117,531,065 gives the same sequence; the position shown is the placement nearest the transcript's 3' end. VCF-style (leftmost placement, unchanged base first): chr7-117531059-TTCA-T. GRCh37 (hg19) VCF-style: chr7-117171113-TTCA-T.
Other names: c.438_440delTCA (NM_000492.3, NM_000492.4); c.438_440del (NM_000492.3); c.435_437TCA[1], p.His147del (NM_000492.3); short protein forms H147del.
Identifiers: ClinVar variation 1740157 (VCV001740157.4), dbSNP rs2485009619, ClinGen allele CA2580617093.

ClinVar aggregate classification (germline): Conflicting classifications of pathogenicity. Review status: criteria provided, conflicting classifications (1 of 4 stars). 3 submissions from 3 submitters: Likely pathogenic (2); Uncertain significance (1). Last evaluated 2025-09-26.

Conditions:
CFTR-related disorder (CFTR-RD). Also called: CFTR-related condition; CFTR-related disorders. Identifiers: MedGen C5924204, MONDO:7770004.
Cystic fibrosis (CF). Also called: MUCOVISCIDOSIS. Identifiers: Orphanet 586, MedGen C0010674, MONDO:0009061, OMIM 219700. Disease mechanism: loss of function.

Submissions (3):

Natera, Inc.
Classification: Likely pathogenic for CFTR-related disorders. Last evaluated: 2025-09-26. Review status: criteria provided, single submitter. Criteria: Natera Variant Classification Schema (03/2026). Collection method: clinical testing. Allele origin: germline.
Comment: The c.438_440del variant in CFTR is an in-frame deletion predicted to remove histidine at amino acid 147 while preserving the reading frame. This variant is rare in the general population with a frequency below the threshold expected for the associated phenotype(s). This variant has been observed in one or more individuals affected with the associated recessive disease, as either homozygous or compound heterozygous with a second variant (PMID: 34782259, 28800122). This variant results in a change to the protein length while preserving reading frame, which may disrupt normal protein structure or function. Computational prediction algorithms indicate this variant is likely to affect gene or protein function. Given the available evidence, this variant is classified as Likely Pathogenic.

Women's Health and Genetics/Laboratory Corporation of America, LabCorp
Classification: Likely pathogenic for Cystic fibrosis. Last evaluated: 2025-09-12. Review status: criteria provided, single submitter. Criteria: LabCorp Variant Classification Summary - May 2015. Collection method: clinical testing. Allele origin: germline.
Comment: Variant summary: CFTR c.438_440delTCA (p.His147del) results in an in-frame deletion that is predicted to remove one amino acid from the encoded protein. The variant was absent in 250566 control chromosomes. c.438_440delTCA has been observed in individuals affected with Cystic Fibrosis as a compound heterozygous or unreported genotype (e.g., Ideozu_2017, Paul_2021, Raraigh_2021, Schrijver_2016). These data indicate that the variant may be associated with disease. At least one publication reports experimental evidence evaluating an impact on protein function. The most pronounced variant effect resulted in approximately <10% of normal chloride channel conductance relative to wild type (e.g., Bihler_2024). The following publications have been ascertained in the context of this evaluation (PMID: 38388235, 28800122, 34016560, 34782259, 26708955). ClinVar contains an entry for this variant (Variation ID: 1740157). Based on the evidence outlined above, the variant was classified as likely pathogenic.

Ambry Genetics
Classification: Uncertain significance for Cystic fibrosis. Last evaluated: 2015-11-17. Review status: criteria provided, single submitter. Criteria: Ambry Variant Classification Scheme 2023. Collection method: clinical testing. Allele origin: germline.
Comment: The c.438_440delTCA variant (also known as p.H147del) is located in coding exon 4 of the CFTR gene. This variant results from an in-frame TCA deletion between nucleotide positions 438 and 440. This results in the deletion of a histidine residue at codon 147. This variant was not reported in population based cohorts in the following databases: Database of Single Nucleotide Polymorphisms (dbSNP), NHLBI Exome Sequencing Project (ESP), and 1000 Genomes Project. In the ESP, this variant was not observed in 6503 samples (13006 alleles) with coverage at this position. This amino acid position is well conserved in available vertebrate species. Since supporting evidence is limited at this time, the clinical significance of this variant remains unclear.

Literature cited by the submitters: PubMed 34782259 (cited by Natera, Inc. and Women's Health and Genetics/Laboratory Corporation of America, LabCorp); PubMed 28800122 (cited by Natera, Inc. and Women's Health and Genetics/Laboratory Corporation of America, LabCorp); PubMed 26708955 (cited by Women's Health and Genetics/Laboratory Corporation of America, LabCorp); PubMed 38388235 (cited by Women's Health and Genetics/Laboratory Corporation of America, LabCorp); PubMed 34016560 (cited by Women's Health and Genetics/Laboratory Corporation of America, LabCorp).